The following is an entry in ClinVar:

NM_152564.5(VPS13B):c.5489C>G (p.Ala1830Gly)

Gene: VPS13B (vacuolar protein sorting 13 homolog B; plus strand). Cytogenetic location: 8q22.2.
Variant type: single nucleotide variant.
Coding change: c.5489C>G on transcript NM_152564.5 (MANE Select); coding-DNA position 5489, C replaced by G.
Protein change: p.Ala1830Gly; replaces alanine 1830 with glycine.
Molecular consequence: missense variant.
Genome position (GRCh38, 1-based): chr8:99,642,079, C>G. VCF-style: chr8-99642079-C-G. GRCh37 (hg19) VCF-style: chr8-100654307-C-G.
Other names: c.5564C>G, p.Ala1855Gly (NM_017890.5); c.5489C>G (NM_152564.4); c.5564C>G (NM_017890.3); short protein forms A1830G, A1855G.
Identifiers: ClinVar variation 934566 (VCV000934566.14), dbSNP rs1829392467, ClinGen allele CA371872667.

ClinVar aggregate classification (germline): Uncertain significance. Review status: criteria provided, multiple submitters, no conflicts (2 of 4 stars). 6 submissions from 6 submitters: Uncertain significance (5). 1 of the submissions does not count toward it. Last evaluated 2025-12-29.

Conditions:
VPS13B-related disorder. Also called: VPS13B-related condition.
Inborn genetic diseases. Identifiers: MedGen C0950123, MeSH D030342.
Cohen syndrome (COH1). Also called: Cutis verticis gyrata, retinitis pigmentosa, and sensorineural deafness; PEPPER SYNDROME. Identifiers: Orphanet 193, MedGen C0265223, MONDO:0008999, OMIM 216550.

gnomAD v4.1: 7 of 1,614,068 alleles (0.00043%); highest among the groups gnomAD compares: East Asian, 0.0045%; no homozygotes.

Submissions (6):

PreventionGenetics, part of Exact Sciences
Classification: Uncertain significance for VPS13B-related condition. Last evaluated: 2025-12-29. Review status: criteria provided, single submitter. Criteria: ACMG Guidelines, 2015. Collection method: clinical testing. Allele origin: germline.
Comment: The VPS13B c.5489C>G variant is predicted to result in the amino acid substitution p.Ala1830Gly. To our knowledge, this variant has not been reported in the literature or in a large population database (gnomAD), indicating this variant is rare. At this time, the clinical significance of this variant is uncertain due to the absence of conclusive functional and genetic evidence.

Ambry Genetics
Classification: Uncertain significance for Inborn genetic diseases. Last evaluated: 2023-08-20. Review status: criteria provided, single submitter. Criteria: Ambry Variant Classification Scheme 2023. Collection method: clinical testing. Allele origin: germline.

Labcorp Genetics (formerly Invitae), Labcorp
Classification: Uncertain significance for Cohen syndrome. Last evaluated: 2022-10-26. Review status: criteria provided, single submitter. Criteria: Invitae Variant Classification Sherloc (09022015). Collection method: clinical testing. Allele origin: germline.
Comment: This sequence change replaces alanine, which is neutral and non-polar, with glycine, which is neutral and non-polar, at codon 1855 of the VPS13B protein (p.Ala1855Gly). This variant is not present in population databases (gnomAD no frequency). This variant has not been reported in the literature in individuals affected with VPS13B-related conditions. ClinVar contains an entry for this variant (Variation ID: 934566). Advanced modeling of protein sequence and biophysical properties (such as structural, functional, and spatial information, amino acid conservation, physicochemical variation, residue mobility, and thermodynamic stability) performed at Invitae indicates that this missense variant is not expected to disrupt VPS13B protein function. In summary, the available evidence is currently insufficient to determine the role of this variant in disease. Therefore, it has been classified as a Variant of Uncertain Significance.

Blueprint Genetics
Classification: Uncertain significance. Last evaluated: 2022-04-06. Review status: criteria provided, single submitter. Criteria: ACMG Guidelines, 2015. Collection method: clinical testing. Allele origin: germline.

Genetic Services Laboratory, University of Chicago
Classification: Uncertain significance. Last evaluated: 2019-01-14. Review status: criteria provided, single submitter. Criteria: ACMG Guidelines, 2015. Collection method: clinical testing. Allele origin: germline. Affected: no.

Natera, Inc.
Classification: Uncertain significance for Cohen syndrome. Last evaluated: 2020-03-27. Review status: no assertion criteria provided. Collection method: clinical testing. Allele origin: germline. Not counted in ClinVar's aggregate classification.